The following is an entry in ClinVar:

ClinVar aggregate classification (germline): Uncertain significance. Review status: criteria provided, multiple submitters, no conflicts (2 of 4 stars). 2 submissions from 2 submitters: Uncertain significance (2). Last evaluated 2026-03-25.

Conditions:
Ehlers-Danlos syndrome, classic type, 1 (EDSCL1). Also called: Ehlers-Danlos syndrome, type 1; EHLERS-DANLOS SYNDROME, GRAVIS TYPE; EHLERS-DANLOS SYNDROME, SEVERE CLASSIC TYPE; Ehlers-Danlos Syndrome, Classic Type, COL5A1-Related; EDS I. Identifiers: MedGen C0268335, MONDO:0019567, OMIM 130000.
Osteogenesis imperfecta type I (OI1). Also called: Osteogenesis imperfecta type 1; Lobstein's Disease; OI, TYPE I; OSTEOGENESIS IMPERFECTA TARDA; OSTEOGENESIS IMPERFECTA WITH BLUE SCLERAE; Classic Non-deforming Osteogenesis Imperfecta with Blue Sclerae. Identifiers: Orphanet 216796, Orphanet 666, MedGen C0023931, MONDO:0008146, OMIM 166200. Disease mechanism: loss of function.

gnomAD v4.1: 7 of 1,614,150 alleles (0.00043%); highest among the groups gnomAD compares: Non-Finnish European, 0.00051%; no homozygotes.

Submissions (2):

Dasa
Classification: Uncertain significance. Last evaluated: 2026-03-25. Review status: criteria provided, single submitter. Criteria: DASA Assertion Criteria. Collection method: clinical testing. Allele origin: germline.
Comment: NM_000089.4(COL1A2):c.3464C>T (p.Ser1155Phe) is a missense variant that results in the substitution of serine with phenylalanine. This variant is rare in population databases. Computational prediction algorithms are consistent with a deleterious effect. The currently available literature and clinical evidence are not sufficient to establish a definitive association between this variant and the reported condition. Therefore, this variant is classified as a variant of uncertain significance.

Labcorp Genetics (formerly Invitae), Labcorp
Classification: Uncertain significance for Osteogenesis imperfecta type I; Ehlers-Danlos syndrome, classic type, 1. Last evaluated: 2024-08-31. Review status: criteria provided, single submitter. Criteria: Invitae Variant Classification Sherloc (09022015). Collection method: clinical testing. Allele origin: germline.
Comment: This sequence change replaces serine, which is neutral and polar, with phenylalanine, which is neutral and non-polar, at codon 1155 of the COL1A2 protein (p.Ser1155Phe). This variant is present in population databases (no rsID available, gnomAD 0.0009%). This variant has not been reported in the literature in individuals affected with COL1A2-related conditions. Invitae Evidence Modeling of protein sequence and biophysical properties (such as structural, functional, and spatial information, amino acid conservation, physicochemical variation, residue mobility, and thermodynamic stability) indicates that this missense variant is expected to disrupt COL1A2 protein function with a positive predictive value of 95%. In summary, the available evidence is currently insufficient to determine the role of this variant in disease. Therefore, it has been classified as a Variant of Uncertain Significance.

NM_000089.4(COL1A2):c.3464C>T (p.Ser1155Phe)

Gene: COL1A2 (collagen type I alpha 2 chain; plus strand). Cytogenetic location: 7q21.3.
Variant type: single nucleotide variant.
Coding change: c.3464C>T on transcript NM_000089.4 (MANE Select); coding-DNA position 3464, C replaced by T.
Protein change: p.Ser1155Phe; replaces serine 1155 with phenylalanine.
Molecular consequence: missense variant.
Genome position (GRCh38, 1-based): chr7:94,427,823, C>T. VCF-style: chr7-94427823-C-T. GRCh37 (hg19) VCF-style: chr7-94057135-C-T.
Other names: short protein forms S1155F.
Identifiers: ClinVar variation 3761406 (VCV003761406.4).